The following is an entry in ClinVar:

NM_001271.4(CHD2):c.3559G>A (p.Glu1187Lys)

Gene: CHD2 (chromodomain helicase DNA binding protein 2; plus strand). Cytogenetic location: 15q26.1.
Variant type: single nucleotide variant.
Coding change: c.3559G>A on transcript NM_001271.4 (MANE Select); coding-DNA position 3559, G replaced by A.
Protein change: p.Glu1187Lys; replaces glutamic acid 1187 with lysine.
Molecular consequence: missense variant.
Genome position (GRCh38, 1-based): chr15:92,992,962, G>A. VCF-style: chr15-92992962-G-A. GRCh37 (hg19) VCF-style: chr15-93536192-G-A.
Other names: short protein forms E1187K.
Identifiers: ClinVar variation 4802444 (VCV004802444.1).

ClinVar aggregate classification (germline): Uncertain significance (1 of 4 stars; one submission).

Conditions:
Developmental and epileptic encephalopathy 94 (DEE94). Also called: Epileptic encephalopathy, childhood-onset; CHD2-Related Neurodevelopmental Disorders. Identifiers: Orphanet 1942, Orphanet 2382, MedGen C3809278, MONDO:0014150, OMIM 615369.

Submission:

Labcorp Genetics (formerly Invitae), Labcorp
Classification: Uncertain significance for Developmental and epileptic encephalopathy 94. Last evaluated: 2025-05-22. Review status: criteria provided, single submitter. Criteria: Invitae Variant Classification Sherloc (09022015). Collection method: clinical testing. Allele origin: germline.
Comment: This sequence change replaces glutamic acid, which is acidic and polar, with lysine, which is basic and polar, at codon 1187 of the CHD2 protein (p.Glu1187Lys). This variant is not present in population databases (gnomAD no frequency). This variant has not been reported in the literature in individuals affected with CHD2-related conditions. Invitae Evidence Modeling of protein sequence and biophysical properties (such as structural, functional, and spatial information, amino acid conservation, physicochemical variation, residue mobility, and thermodynamic stability) indicates that this missense variant is not expected to disrupt CHD2 protein function with a negative predictive value of 95%. In summary, the available evidence is currently insufficient to determine the role of this variant in disease. Therefore, it has been classified as a Variant of Uncertain Significance.